The following is an entry in ClinVar:

NM_020982.4(CLDN9):c.581G>A (p.Arg194His)

Gene: CLDN9 (claudin 9; plus strand). Cytogenetic location: 16p13.3.
Variant type: single nucleotide variant.
Coding change: c.581G>A on transcript NM_020982.4 (MANE Select); coding-DNA position 581, G replaced by A.
Protein change: p.Arg194His; replaces arginine 194 with histidine.
Molecular consequence: missense variant.
Genome position (GRCh38, 1-based): chr16:3,013,943, G>A. VCF-style: chr16-3013943-G-A. GRCh37 (hg19) VCF-style: chr16-3063944-G-A.
Other names: short protein forms R194H.
Identifiers: ClinVar variation 4534166 (VCV004534166.6).

ClinVar aggregate classification (germline): Likely benign (1 of 4 stars; one submission).

Submission:

CeGaT Center for Human Genetics Tuebingen
Classification: Likely benign. Last evaluated: 2025-10-01. Review status: criteria provided, single submitter. Criteria: CeGaT Center For Human Genetics Tuebingen Variant Classification Criteria Version 2. Collection method: clinical testing. Allele origin: germline. Affected: yes. Observed: 1 variant allele.
Comment: CLDN9: BP4, BS2